The following is an entry in ClinVar:

ClinVar aggregate classification (germline): Uncertain significance (1 of 4 stars; one submission).

Conditions:
Autosomal recessive limb-girdle muscular dystrophy type 2F (LGMDR6). Also called: Muscular dystrophy limb-girdle with delta-sarcoglyan deficiency; MUSCULAR DYSTROPHY, LIMB-GIRDLE, AUTOSOMAL RECESSIVE 6. Identifiers: Orphanet 219, MedGen C1832525, MONDO:0011028, OMIM 601287. Disease mechanism: Affects gamma-sarcoglycan and also disrupts the integrity of the entire sarcoglycan complex..

Allele frequency attached by ClinVar (database versions not stated): TOPMed below 0.00001; ExAC 0.00001; gnomAD 0.00001; ESP Exome Variant Server 0.00008.
gnomAD v4.1: 3 of 1,611,844 alleles (0.00019%); highest among the groups gnomAD compares: African/African-American, 0.004%; no homozygotes.

Submission:

Labcorp Genetics (formerly Invitae), Labcorp
Classification: Uncertain significance for Autosomal recessive limb-girdle muscular dystrophy type 2F. Last evaluated: 2022-02-22. Review status: criteria provided, single submitter. Criteria: Invitae Variant Classification Sherloc (09022015). Collection method: clinical testing. Allele origin: germline.
Comment: This sequence change replaces threonine, which is neutral and polar, with alanine, which is neutral and non-polar, at codon 281 of the SGCD protein (p.Thr281Ala). This variant is present in population databases (rs369434183, gnomAD 0.007%). This variant has not been reported in the literature in individuals affected with SGCD-related conditions. Algorithms developed to predict the effect of missense changes on protein structure and function are either unavailable or do not agree on the potential impact of this missense change (SIFT: "Tolerated"; PolyPhen-2: "Probably Damaging"; Align-GVGD: "Class C0"). In summary, the available evidence is currently insufficient to determine the role of this variant in disease. Therefore, it has been classified as a Variant of Uncertain Significance.

NM_000337.6(SGCD):c.841A>G (p.Thr281Ala)

Gene: SGCD (sarcoglycan delta; plus strand). Cytogenetic location: 5q33.3.
Variant type: single nucleotide variant.
Coding change: c.841A>G on transcript NM_000337.6 (MANE Select); coding-DNA position 841, A replaced by G.
Protein change: p.Thr281Ala; replaces threonine 281 with alanine.
Molecular consequence: missense variant.
Genome position (GRCh38, 1-based): chr5:156,759,358, A>G. VCF-style: chr5-156759358-A-G. GRCh37 (hg19) VCF-style: chr5-156186369-A-G.
Other names: c.838A>G, p.Thr280Ala (NM_001128209.2); short protein forms T280A, T281A.
Identifiers: ClinVar variation 2081747 (VCV002081747.4), dbSNP rs369434183, ClinGen allele CA3530710.
Genomic context (GRCh38, chr5:156,759,358, plus strand): 5'-TTCGAGATCTGCGTCTGCGCCAATGGGAGATTATTCCTGTCTCAGGCAGGAGCTGGGTCC[A>G]CTTGTCAGATAAACACAAGTGTCTGCCTCTGAAAGACTATCCATAGTGGACATTGTTGGC-3'
Protein context (NP_000328.2, residues 271-290): LFLSQAGAGS[Thr281Ala]CQINTSVCL